The following is an entry in ClinVar:

ClinVar aggregate classification (germline): Uncertain significance. Review status: criteria provided, multiple submitters, no conflicts (2 of 4 stars). 2 submissions from 2 submitters: Uncertain significance (2). Last evaluated 2025-05-07.

Submissions (2):

Labcorp Genetics (formerly Invitae), Labcorp
Classification: Uncertain significance. Last evaluated: 2025-05-07. Review status: criteria provided, single submitter. Criteria: Invitae Variant Classification Sherloc (09022015). Collection method: clinical testing. Allele origin: germline.
Comment: This sequence change replaces threonine, which is neutral and polar, with isoleucine, which is neutral and non-polar, at codon 1206 of the ARID1A protein (p.Thr1206Ile). This variant is not present in population databases (gnomAD no frequency). This variant has not been reported in the literature in individuals affected with ARID1A-related conditions. ClinVar contains an entry for this variant (Variation ID: 1312994). Invitae Evidence Modeling of protein sequence and biophysical properties (such as structural, functional, and spatial information, amino acid conservation, physicochemical variation, residue mobility, and thermodynamic stability) has been performed for this missense variant. However, the output from this modeling did not meet the statistical confidence thresholds required to predict the impact of this variant on ARID1A protein function. In summary, the available evidence is currently insufficient to determine the role of this variant in disease. Therefore, it has been classified as a Variant of Uncertain Significance.

GeneDx
Classification: Uncertain significance. Last evaluated: 2020-07-08. Review status: criteria provided, single submitter. Criteria: GeneDx Variant Classification Process June 2021. Collection method: clinical testing. Allele origin: germline. Affected: yes.
Comment: Not observed in large population cohorts (Lek et al., 2016); In silico analysis supports that this missense variant has a deleterious effect on protein structure/function; Has not been previously published as pathogenic or benign to our knowledge; In-silico analysis, which includes splice predictors and evolutionary conservation, is inconclusive as to whether the variant alters gene splicing. In the absence of RNA/functional studies, the actual effect of this sequence change is unknown.

NM_006015.6(ARID1A):c.3617C>T (p.Thr1206Ile)

Genes: ARID1A (AT-rich interaction domain 1A; plus strand), LOC126805670 (CDK7 strongly-dependent group 2 enhancer GRCh37_chr1:27098665-27099864; plus strand). Cytogenetic location: 1p36.11.
Variant type: single nucleotide variant.
Coding change: c.3617C>T on transcript NM_006015.6 (MANE Select); coding-DNA position 3617, C replaced by T.
Protein change: p.Thr1206Ile; replaces threonine 1206 with isoleucine.
Molecular consequence: missense variant.
Genome position (GRCh38, 1-based): chr1:26,772,889, C>T. VCF-style: chr1-26772889-C-T. GRCh37 (hg19) VCF-style: chr1-27099380-C-T.
Other names: c.3617C>T, p.Thr1206Ile (NM_139135.4); short protein forms T1206I.
Identifiers: ClinVar variation 1312994 (VCV001312994.3), dbSNP rs2124107280, ClinGen allele CA339167317.